The following is an entry in ClinVar:

ClinVar aggregate classification (germline): Uncertain significance (1 of 4 stars; one submission).

Conditions:
KMT2D-related disorder. Also called: KMT2D-Related Disorders.

gnomAD v4.1: 1 of 1,614,058 alleles (0.000062%); highest among the groups gnomAD compares: Non-Finnish European, 0.000085%; no homozygotes.

Submission:

PreventionGenetics, part of Exact Sciences
Classification: Uncertain significance for KMT2D-related condition. Last evaluated: 2025-11-10. Review status: criteria provided, single submitter. Criteria: ACMG Guidelines, 2015. Collection method: clinical testing. Allele origin: germline.
Comment: The KMT2D c.5260C>A variant is predicted to result in the amino acid substitution p.Gln1754Lys. To our knowledge, this variant has not been reported in the literature or in a large population database (gnomAD), indicating this variant is rare. At this time, the clinical significance of this variant is uncertain due to the absence of conclusive functional and genetic evidence.

NM_003482.4(KMT2D):c.5260C>A (p.Gln1754Lys)

Gene: KMT2D (lysine methyltransferase 2D; minus strand). Cytogenetic location: 12q13.12.
Variant type: single nucleotide variant.
Coding change: c.5260C>A on transcript NM_003482.4 (MANE Select); coding-DNA position 5260, C replaced by A.
Protein change: p.Gln1754Lys; replaces glutamine 1754 with lysine.
Molecular consequence: missense variant.
Genome position (GRCh38, 1-based): chr12:49,043,927, G>T on the plus strand (C>A on the coding strand, the complement: KMT2D is on the minus strand). VCF-style: chr12-49043927-G-T. GRCh37 (hg19) VCF-style: chr12-49437710-G-T.
Other names: short protein forms Q1754K.
Identifiers: ClinVar variation 4996485 (VCV004996485.1).